The following is an entry in ClinVar:

NM_001360.3(DHCR7):c.230C>T (p.Thr77Ile)

Gene: DHCR7 (7-dehydrocholesterol reductase; minus strand). Cytogenetic location: 11q13.4.
Variant type: single nucleotide variant.
Coding change: c.230C>T on transcript NM_001360.3 (MANE Select); coding-DNA position 230, C replaced by T.
Protein change: p.Thr77Ile; replaces threonine 77 with isoleucine.
Molecular consequence: missense variant.
Genome position (GRCh38, 1-based): chr11:71,444,084, G>A on the plus strand (C>T on the coding strand, the complement: DHCR7 is on the minus strand). VCF-style: chr11-71444084-G-A. GRCh37 (hg19) VCF-style: chr11-71155130-G-A.
Other names: c.230C>T, p.Thr77Ile (NM_001163817.2); short protein forms T77I.
Identifiers: ClinVar variation 2197797 (VCV002197797.1), dbSNP rs781010025, ClinGen allele CA6162659.

ClinVar aggregate classification (germline): Uncertain significance (1 of 4 stars; one submission).

Conditions:
Smith-Lemli-Opitz syndrome (SLOS). Also called: LETHAL ACRODYSGENITAL SYNDROME; POLYDACTYLY, SEX REVERSAL, RENAL HYPOPLASIA, AND UNILOBAR LUNG; RSH SYNDROME; RUTLEDGE LETHAL MULTIPLE CONGENITAL ANOMALY SYNDROME; 7-Dehydrocholesterol reductase deficiency. Identifiers: Orphanet 818, MedGen C0175694, MONDO:0010035, OMIM 270400.

Allele frequency attached by ClinVar (database versions not stated): gnomAD exomes below 0.00001; ExAC 0.00003.
gnomAD v4.1: 5 of 1,613,648 alleles (0.00031%); highest among the groups gnomAD compares: Admixed American, 0.0067%; no homozygotes.

Submission:

Labcorp Genetics (formerly Invitae), Labcorp
Classification: Uncertain significance for Smith-Lemli-Opitz syndrome. Last evaluated: 2022-08-19. Review status: criteria provided, single submitter. Criteria: Invitae Variant Classification Sherloc (09022015). Collection method: clinical testing. Allele origin: germline.
Comment: This sequence change replaces threonine, which is neutral and polar, with isoleucine, which is neutral and non-polar, at codon 77 of the DHCR7 protein (p.Thr77Ile). This variant is present in population databases (rs781010025, gnomAD 0.01%). This variant has not been reported in the literature in individuals affected with DHCR7-related conditions. Advanced modeling of protein sequence and biophysical properties (such as structural, functional, and spatial information, amino acid conservation, physicochemical variation, residue mobility, and thermodynamic stability) performed at Invitae indicates that this missense variant is not expected to disrupt DHCR7 protein function. In summary, the available evidence is currently insufficient to determine the role of this variant in disease. Therefore, it has been classified as a Variant of Uncertain Significance.